The following is an entry in ClinVar:

NM_000937.5(POLR2A):c.2971C>G (p.Gln991Glu)

Gene: POLR2A (RNA polymerase II subunit A; plus strand). Cytogenetic location: 17p13.1.
Variant type: single nucleotide variant.
Coding change: c.2971C>G on transcript NM_000937.5 (MANE Select); coding-DNA position 2971, C replaced by G.
Protein change: p.Gln991Glu; replaces glutamine 991 with glutamic acid.
Molecular consequence: missense variant.
Genome position (GRCh38, 1-based): chr17:7,503,427, C>G. VCF-style: chr17-7503427-C-G. GRCh37 (hg19) VCF-style: chr17-7406746-C-G.
Other names: short protein forms Q991E.
Identifiers: ClinVar variation 5009736 (VCV005009736.1).

ClinVar aggregate classification (germline): Uncertain significance (1 of 4 stars; one submission).

Submission:

GeneDx
Classification: Uncertain significance. Last evaluated: 2026-02-18. Review status: criteria provided, single submitter. Criteria: GeneDx Variant Classification Process June 2021. Collection method: clinical testing. Allele origin: germline.
Comment: Not observed at significant frequency in large population cohorts (gnomAD); In silico analysis supports that this missense variant has a deleterious effect on protein structure/function; Has not been previously published as pathogenic or benign to our knowledge